The following is an entry in ClinVar:

ClinVar aggregate classification (germline): Uncertain significance (1 of 4 stars; one submission).

Conditions:
RYR1-related disorder. Also called: RYR1-related condition; RYR1-related disorders. Identifiers: MedGen CN239331.

Allele frequency attached by ClinVar (database versions not stated): TOPMed 0.00001; gnomAD 0.00002; gnomAD exomes 0.00001.
gnomAD v4.1: 9 of 1,012,180 alleles (0.00089%); highest among the groups gnomAD compares: African/African-American, 0.0052%; no homozygotes.

Submission:

Labcorp Genetics (formerly Invitae), Labcorp
Classification: Uncertain significance for RYR1-related disorder. Last evaluated: 2025-11-25. Review status: criteria provided, single submitter. Criteria: Invitae Variant Classification Sherloc (09022015). Collection method: clinical testing. Allele origin: germline.
Comment: This sequence change replaces arginine, which is basic and polar, with glutamine, which is neutral and polar, at codon 4318 of the RYR1 protein (p.Arg4318Gln). This variant is present in population databases (no rsID available, gnomAD 0.01%). This variant has not been reported in the literature in individuals affected with RYR1-related conditions. ClinVar contains an entry for this variant (Variation ID: 2194491). Invitae Evidence Modeling of protein sequence and biophysical properties (such as structural, functional, and spatial information, amino acid conservation, physicochemical variation, residue mobility, and thermodynamic stability) indicates that this missense variant is not expected to disrupt RYR1 protein function with a negative predictive value of 80%. In summary, the available evidence is currently insufficient to determine the role of this variant in disease. Therefore, it has been classified as a Variant of Uncertain Significance.

NM_000540.3(RYR1):c.12953G>A (p.Arg4318Gln)

Gene: RYR1 (ryanodine receptor 1; plus strand). Cytogenetic location: 19q13.2.
Variant type: single nucleotide variant.
Coding change: c.12953G>A on transcript NM_000540.3 (MANE Select); coding-DNA position 12953, G replaced by A.
Protein change: p.Arg4318Gln; replaces arginine 4318 with glutamine.
Molecular consequence: missense variant.
Genome position (GRCh38, 1-based): chr19:38,565,287, G>A. VCF-style: chr19-38565287-G-A. GRCh37 (hg19) VCF-style: chr19-39055927-G-A.
Other names: c.12938G>A, p.Arg4313Gln (NM_001042723.2); short protein forms R4313Q, R4318Q.
Identifiers: ClinVar variation 2194491 (VCV002194491.2), dbSNP rs1348435999, ClinGen allele CA405672708.